The following is an entry in ClinVar:

ClinVar aggregate classification (germline): Benign/Likely benign. Review status: criteria provided, multiple submitters, no conflicts (2 of 4 stars). 5 submissions from 5 submitters: Benign (1); Likely benign (3). 1 of the submissions does not count toward it. Last evaluated 2025-01-30.

Conditions:
Hereditary nonpolyposis colorectal neoplasms. Identifiers: MedGen C0009405, MeSH D003123.
Lynch syndrome 4 (LYNCH4). Also called: Hereditary non-polyposis colorectal cancer, type 4; Colorectal cancer, hereditary nonpolyposis, type 4. Identifiers: Orphanet 144, MedGen C1838333, MONDO:0013699, OMIM 614337. Disease mechanism: loss of function.
Malignant tumor of breast. Also called: Malignant breast neoplasm; Cancer breast. Identifiers: MedGen C0006142, MONDO:0007254. Disease mechanism: loss of function.

Submissions (5):

Myriad Genetics, Inc.
Classification: Benign for Lynch syndrome 4. Last evaluated: 2025-01-30. Review status: criteria provided, single submitter. Criteria: Myriad Autosomal Dominant, Autosomal Recessive and X-Linked Classification Criteria (2023). Collection method: clinical testing. Allele origin: unknown.
Comment: This variant is considered benign. This variant is a silent/synonymous amino acid change and it is not expected to impact splicing.

Labcorp Genetics (formerly Invitae), Labcorp
Classification: Likely benign for Hereditary nonpolyposis colorectal neoplasms. Last evaluated: 2024-07-29. Review status: criteria provided, single submitter. Criteria: Invitae Variant Classification Sherloc (09022015). Collection method: clinical testing. Allele origin: germline.

ARUP Laboratories, Molecular Genetics and Genomics, ARUP Laboratories
Classification: Likely benign. Last evaluated: 2019-01-29. Review status: criteria provided, single submitter. Criteria: ARUP Molecular Germline Variant Investigation Process. Collection method: clinical testing. Allele origin: germline.

PreventionGenetics, part of Exact Sciences
Classification: Likely benign. Last evaluated: 2017-12-12. Review status: criteria provided, single submitter. Criteria: ACMG Guidelines, 2015. Collection method: clinical testing. Allele origin: germline.

Department of Pathology and Laboratory Medicine, Sinai Health System
Classification: Uncertain significance for Malignant tumor of breast. Review status: no assertion criteria provided. Collection method: clinical testing. Allele origin: unknown. Affected: yes. Study: The Canadian Open Genetics Repository (COGR). Not counted in ClinVar's aggregate classification.
Comment: The PMS2 p.Pro395= variant was not identified in the literature nor was it identified in the following databases: dbSNP, ClinVar, GeneInsight-COGR, Cosmic, MutDB, Insight Colon Cancer Gene Variant Database, Zhejiang Colon Cancer Database, Mismatch Repair Genes Variant Database, Insight Hereditary Tumors Database, the 1000 Genomes Project, the NHLBI GO Exome Sequencing Project, the Exome Aggregation Consortium (August 8th 2016), or the Genome Aggregation Database (Feb 27, 2017). The p.Pro395= variant is not expected to have clinical significance because it does not result in a change of amino acid and is not located in a known consensus splice site. In addition, in silico or computational prediction software programs (SpliceSiteFinder, MaxEntScan, NNSPLICE, GeneSplicer, HumanSpliceFinder) do not predict a difference in splicing. In summary, based on the above information the clinical significance of this variant cannot be determined with certainty at this time. This variant is classified as a variant of uncertain significance.

NM_000535.7(PMS2):c.1185C>T (p.Pro395=)

Gene: PMS2 (PMS1 homolog 2, mismatch repair system component; minus strand). Cytogenetic location: 7p22.1.
Variant type: single nucleotide variant.
Coding change: c.1185C>T on transcript NM_000535.7 (MANE Select); coding-DNA position 1185, C replaced by T.
Protein change: p.Pro395=; no amino-acid change (proline 395 retained).
Molecular consequence: synonymous variant. On other transcripts: non-coding transcript variant (1).
Genome position (GRCh38, 1-based): chr7:5,987,580, G>A on the plus strand (C>T on the coding strand, the complement: PMS2 is on the minus strand). VCF-style: chr7-5987580-G-A. GRCh37 (hg19) VCF-style: chr7-6027211-G-A.
Other names: c.780C>T, p.Pro260= (NM_001322003.2, NM_001322004.2, NM_001322005.2 and 1 more transcripts); c.1029C>T, p.Pro343= (NM_001322006.2); c.867C>T, p.Pro289= (NM_001322007.2, NM_001322008.2); c.624C>T, p.Pro208= (NM_001322010.2); c.252C>T, p.Pro84= (NM_001322011.2, NM_001322012.2); c.612C>T, p.Pro204= (NM_001322013.2); c.1185C>T, p.Pro395= (NM_001322014.2); c.876C>T, p.Pro292= (NM_001322015.2).
Identifiers: ClinVar variation 560795 (VCV000560795.19), dbSNP rs1562636721, ClinGen allele CA453643778.